The following is an entry in ClinVar:

ClinVar aggregate classification (germline): Uncertain significance (1 of 4 stars; one submission).

Allele frequency attached by ClinVar (database versions not stated): gnomAD exomes below 0.00001; ExAC 0.00001.
gnomAD v4.1: 2 of 1,613,652 alleles (0.00012%); highest among the groups gnomAD compares: South Asian, 0.0022%; no homozygotes.

Submission:

CeGaT Center for Human Genetics Tuebingen
Classification: Uncertain significance. Last evaluated: 2023-07-01. Review status: criteria provided, single submitter. Criteria: CeGaT Center For Human Genetics Tuebingen Variant Classification Criteria Version 2. Collection method: clinical testing. Allele origin: germline. Affected: yes. Observed: 1 variant allele.
Comment: LRSAM1: PM2, BP4

NM_001005373.4(LRSAM1):c.528+5A>G

Gene: LRSAM1 (leucine rich repeat and sterile alpha motif containing 1; plus strand). Cytogenetic location: 9q33.3.
Variant type: single nucleotide variant.
Coding change: c.528+5A>G on transcript NM_001005373.4 (MANE Select); 5 bases into the intron after coding-DNA position 528, A replaced by G.
Molecular consequence: intron variant.
Genome position (GRCh38, 1-based): chr9:127,462,378, A>G. VCF-style: chr9-127462378-A-G. GRCh37 (hg19) VCF-style: chr9-130224657-A-G.
Other names: c.528+5A>G (NM_138361.5, NM_001384142.1, NM_001384143.1 and 2 more transcripts); c.-257+5A>G (NM_001384144.1).
Identifiers: ClinVar variation 2579071 (VCV002579071.25), dbSNP rs749635888, ClinGen allele CA5246571.